The following is an entry in ClinVar:

NM_001378328.1(CELSR1):c.7565T>A (p.Ile2522Asn)

Genes: CELSR1 (cadherin EGF LAG seven-pass G-type receptor 1; minus strand), LOC121627952 (CDK7 strongly-dependent group 2 enhancer GRCh37_chr22:46772879-46774078; plus strand). Cytogenetic location: 22q13.31.
Variant type: single nucleotide variant.
Coding change: c.7565T>A on transcript NM_001378328.1 (MANE Select); coding-DNA position 7565, T replaced by A.
Protein change: p.Ile2522Asn; replaces isoleucine 2522 with asparagine.
Molecular consequence: missense variant.
Genome position (GRCh38, 1-based): chr22:46,377,080, A>T on the plus strand (T>A on the coding strand, the complement: CELSR1 is on the minus strand). VCF-style: chr22-46377080-A-T. GRCh37 (hg19) VCF-style: chr22-46772977-A-T.
Other names: c.7565T>A, p.Ile2522Asn (NM_014246.4); short protein forms I2522N.
Identifiers: ClinVar variation 4279741 (VCV004279741.1).
Genomic context (GRCh38, chr22:46,377,080, plus strand): 5'-CTGCGGCCCAGACAGTGGGGAGGGGAGCAGAGTGGCCATACCGGGTTTTCCGTCTGGTTG[A>T]TCCCAATCACGAACACCAGCTGAGAGAGGAAGAGCGCCACGGCGAGGTGCTTGTGAATGC-3'
Protein context (NP_001365257.1, residues 2512-2532): FLSQLVFVIG[Ile2522Asn]NQTENPFLCT

ClinVar aggregate classification (germline): Uncertain significance (1 of 4 stars; one submission).

Conditions:
Lymphatic malformation 9. Identifiers: MedGen C5543365, MONDO:0030270, OMIM 619319.

gnomAD v4.1: 5 of 1,613,276 alleles (0.00031%); highest among the groups gnomAD compares: Admixed American, 0.0017%; no homozygotes.

Submission:

Clinical Genomics Laboratory, Washington University in St. Louis
Classification: Uncertain significance for Lymphatic malformation 9. Last evaluated: 2025-04-02. Review status: criteria provided, single submitter. Criteria: ACMG Guidelines, 2015. Collection method: clinical testing. Allele origin: germline.
Comment: A CELSR1 c.7565T>A (p.Ile2522Asn) variant was identified at a near heterozygous allelic fraction of 49%, a frequency that may be consistent with germline origin. This variant, to our knowledge, has not been reported in the medical literature. It is only observed on 5/1,613,276 alleles in the general population (gnomAD v.4.1.0), indicating it is not a common variant. Computational predictors are uncertain as to the impact of this variant on the CELSR1 function. Due to limited information, and based on ACMG/AMP guidelines for variant interpretation (Richards S et al., PMID: 25741868), the clinical significance of this variant is uncertain at this time.